The following is an entry in ClinVar:

NM_002691.4(POLD1):c.2862G>C (p.Thr954=)

Gene: POLD1 (DNA polymerase delta 1, catalytic subunit; plus strand). Cytogenetic location: 19q13.33.
Variant type: single nucleotide variant.
Coding change: c.2862G>C on transcript NM_002691.4 (MANE Select); coding-DNA position 2862, G replaced by C.
Protein change: p.Thr954=; no amino-acid change (threonine 954 retained).
Molecular consequence: synonymous variant. On other transcripts: non-coding transcript variant (1).
Genome position (GRCh38, 1-based): chr19:50,416,437, G>C. VCF-style: chr19-50416437-G-C. GRCh37 (hg19) VCF-style: chr19-50919694-G-C.
Other names: c.2862G>C, p.Thr954= (NM_001256849.1); c.2940G>C, p.Thr980= (NM_001308632.1).
Identifiers: ClinVar variation 221052 (VCV000221052.39), dbSNP rs3219440, ClinGen allele CA350542.

ClinVar aggregate classification (germline): Benign. Review status: criteria provided, multiple submitters, no conflicts (2 of 4 stars). 16 submissions from 16 submitters: Benign (12). 4 of the submissions do not count toward it. Last evaluated 2026-02-03.

Conditions:
Hereditary cancer-predisposing syndrome. Also called: Neoplastic Syndromes, Hereditary; Hereditary Cancer Syndrome; Tumor predisposition; Hereditary neoplastic syndrome. Identifiers: Orphanet 140162, MedGen C0027672, MeSH D009386, MONDO:0015356.
POLD1-related polyposis and colorectal cancer syndrome (CRCS10). Also called: Colorectal cancer 10; Colorectal cancer, susceptibility to, 10; COLORECTAL CANCER, SUSCEPTIBILITY TO, ON CHROMOSOME 19q. Identifiers: Orphanet 220460, MedGen C2675481, MONDO:0012953, OMIM 612591.
Carcinoma of colon (CRC). Also called: Colonic carcinoma; Colon carcinoma. Identifiers: MedGen C0699790, MONDO:0002032.

Allele frequency attached by ClinVar (database versions not stated): gnomAD 0.01109 and 0.01021; TOPMed 0.01180; ExAC 0.00566; 1000 Genomes Project 0.00839; 1000 Genomes Project 30x 0.00890; ESP Exome Variant Server 0.01037.
gnomAD v4.1: 2,972 of 1,549,980 alleles (0.19%); highest among the groups gnomAD compares: African/African-American, 3.6%; 42 homozygotes.

Submissions (16):

Labcorp Genetics (formerly Invitae), Labcorp
Classification: Benign for POLD1-related polyposis and colorectal cancer syndrome. Last evaluated: 2026-02-03. Review status: criteria provided, single submitter. Criteria: Invitae Variant Classification Sherloc (09022015). Collection method: clinical testing. Allele origin: germline.

CeGaT Center for Human Genetics Tuebingen
Classification: Benign. Last evaluated: 2026-01-01. Review status: criteria provided, single submitter. Criteria: CeGaT Center For Human Genetics Tuebingen Variant Classification Criteria Version 2. Collection method: clinical testing. Allele origin: germline. Affected: yes. Observed: 1 variant allele.
Comment: POLD1: BP4, BP7, BS1, BS2

Center for Genomic Medicine, Rigshospitalet, Copenhagen University Hospital
Classification: Benign. Last evaluated: 2025-03-04. Review status: criteria provided, single submitter. Criteria: ACMG Guidelines, 2015. Collection method: clinical testing. Allele origin: germline.

Institute for Biomarker Research, Medical Diagnostic Laboratories, L.L.C.
Classification: Benign for Hereditary cancer-predisposing syndrome. Last evaluated: 2025-01-20. Review status: criteria provided, single submitter. Criteria: ACMG Guidelines, 2015. Collection method: clinical testing. Allele origin: germline.
Comment: The synonymous variant NM_001308632.1(POLD1):c.2940G>C (p.Thr980=) has been reported to ClinVar as Benign with a status of (2 stars) criteria provided, multiple submitters, no conflicts (Variation ID 221052 as of 2025-01-02). The p.Thr980= variant is observed in 318/8,620 (3.6891%) alleles from individuals of gnomAD African background in gnomAD, indicating it is a common benign variant. The p.Thr980= variant is not predicted to disrupt an existing splice site. The p.Thr980= variant results in a substitution of a base that is not predicted conserved by GERP++ and PhyloP. For these reasons, this variant has been classified as Benign.

ARUP Laboratories, Molecular Genetics and Genomics, ARUP Laboratories
Classification: Benign. Last evaluated: 2023-10-20. Review status: criteria provided, single submitter. Criteria: ARUP Molecular Germline Variant Investigation Process 2024. Collection method: clinical testing. Allele origin: germline.

KCCC/NGS Laboratory, Kuwait Cancer Control Center
Classification: Benign for POLD1-related polyposis and colorectal cancer syndrome. Last evaluated: 2023-07-07. Review status: criteria provided, single submitter. Criteria: ACMG Guidelines, 2015. Collection method: clinical testing. Allele origin: germline. Affected: yes.

Women's Health and Genetics/Laboratory Corporation of America, LabCorp
Classification: Benign. Last evaluated: 2018-04-06. Review status: criteria provided, single submitter. Criteria: LabCorp Variant Classification Summary - May 2015. Collection method: clinical testing. Allele origin: germline.
Comment: Variant summary: POLD1 c.2862G>C alters a non-conserved nucleotide resulting in a synonymous change. 5/5 computational tools predict no significant impact on normal splicing. However, these predictions have yet to be confirmed by functional studies. The variant allele was found at a frequency of 0.0036 in 179660 control chromosomes, predominantly within the African subpopulation at a frequency of 0.036 in the gnomAD database, including 8 homozygotes. The observed variant frequency within African control individuals is approximately 2534 fold above the estimated maximal expected allele frequency for a pathogenic variant in POLD1 causing Colorectal Cancer phenotype (1.4e-05), strongly suggesting that the variant is a benign polymorphism found primarily in populations of African origin. Although POLD1 pseudogenes may complicate NGS mapping, our analysis shows that the variant of interest lies within a region that is not homologous to any other region of the genome, suggesting the variant is real and localized to the POLD1 gene. To our knowledge, no occurrence of c.2862G>C in individuals affected with Colorectal Cancer and no experimental evidence demonstrating its impact on protein function have been reported. Five clinical diagnostic laboratories have submitted clinical-significance assessments for this variant to ClinVar after 2014 and all laboratories classified the variant as benign/likely benign. Based on the evidence outlined above, the variant was classified as benign.

GeneDx
Classification: Benign. Last evaluated: 2017-06-09. Review status: criteria provided, single submitter. Criteria: GeneDx Variant Classification (06012015). Collection method: clinical testing. Allele origin: germline. Affected: yes.
Comment: This variant is considered likely benign or benign based on one or more of the following criteria: it is a conservative change, it occurs at a poorly conserved position in the protein, it is predicted to be benign by multiple in silico algorithms, and/or has population frequency not consistent with disease.

PreventionGenetics, part of Exact Sciences
Classification: Benign. Last evaluated: 2016-12-06. Review status: criteria provided, single submitter. Criteria: ACMG Guidelines, 2015. Collection method: clinical testing. Allele origin: germline.

Quest Diagnostics Nichols Institute San Juan Capistrano
Classification: Benign. Last evaluated: 2016-11-17. Review status: criteria provided, single submitter. Criteria: Quest Diagnostics criteria. Collection method: clinical testing. Allele origin: unknown.

Ambry Genetics
Classification: Benign for Hereditary cancer-predisposing syndrome. Last evaluated: 2015-05-21. Review status: criteria provided, single submitter. Criteria: Ambry Variant Classification Scheme 2023. Collection method: clinical testing. Allele origin: germline.

Breakthrough Genomics
Classification: Benign. Review status: criteria provided, single submitter. Criteria: ACMG Guidelines, 2015. Collection method: not provided. Allele origin: germline. Inheritance: Autosomal dominant inheritance. Affected: yes.

Counsyl
Classification: Benign for POLD1-related polyposis and colorectal cancer syndrome. Last evaluated: 2016-06-10. Review status: no assertion criteria provided. Collection method: clinical testing. Allele origin: unknown. Not counted in ClinVar's aggregate classification.

Clinical Genetics, Academic Medical Center
Classification: Benign. Review status: no assertion criteria provided. Collection method: clinical testing. Allele origin: germline. Affected: yes. Study: VKGL Data-share Consensus. Not counted in ClinVar's aggregate classification.

Department of Pathology and Laboratory Medicine, Sinai Health System
Classification: Benign for Carcinoma of colon. Review status: no assertion criteria provided. Collection method: clinical testing. Allele origin: unknown. Affected: yes. Study: The Canadian Open Genetics Repository (COGR). Not counted in ClinVar's aggregate classification.
Comment: The POLD1 p.Thr954Thr variant was not identified in the literature nor was it identified in the Cosmic and MutDB databases. The variant was identified in dbSNP (ID: rs3219440) â€šÃ„ÃºWith Likely benign alleleâ€šÃ„Ã¹,bClinVar (classified benign by Invitae, Counsyl, Ambry Genetics, Quest Diagnostics Nichols Institute San Juan Capistrano; and likely benign GeneDx), Clinvitae (2x), and in control databases in 651 (8 homozygous) of 179660 chromosomes at a frequency of 0.004 increasing the likelihood this could be a low frequency benign variant (Genome Aggregation Database Feb 27, 2017). Breakdown of the observations by population include African in 587 (8 homozygous) of 16318 chromosomes (freq: 0.04), Other in 5 of 4808 chromosomes (freq: 0.001), Latino in 52 of 24830 chromosomes (freq: 0.002), European Non-Finnish in 6 of 71940 chromosomes (freq: 0.00008), and South Asian in 1 of 22912 chromosomes (freq: 0.00004), while not observed in the Ashkenazi Jewish, East Asian and European Finnish populations. The p.Thr954= variant is not expected to have clinical significance because it does not result in a change of amino acid and is not located in a known consensus splice site. In addition, in silico or computational prediction software programs (SpliceSiteFinder, MaxEntScan, NNSPLICE, GeneSplicer, HumanSpliceFinder) do not predict a difference in splicing. In summary, based on the above information this variant meets our laboratory's criteria to be classified as benign.

Genome Diagnostics Laboratory, Amsterdam University Medical Center
Classification: Benign. Review status: no assertion criteria provided. Collection method: clinical testing. Allele origin: germline. Affected: yes. Study: VKGL Data-share Consensus. Not counted in ClinVar's aggregate classification.